The following is an entry in ClinVar:

ClinVar aggregate classification (germline): Uncertain significance (1 of 4 stars; one submission).

Allele frequency attached by ClinVar (database versions not stated): gnomAD exomes 0.00001 and 0.00004; ExAC 0.00002; gnomAD 0.00019 and 0.00021; 1000 Genomes Project 30x 0.00031; 1000 Genomes Project 0.00040; TOPMed 0.00042.
gnomAD v4.1: 58 of 1,614,124 alleles (0.0036%); highest among the groups gnomAD compares: Admixed American, 0.068%; no homozygotes.

Submission:

Labcorp Genetics (formerly Invitae), Labcorp
Classification: Uncertain significance. Last evaluated: 2022-06-03. Review status: criteria provided, single submitter. Criteria: Invitae Variant Classification Sherloc (09022015). Collection method: clinical testing. Allele origin: germline.
Comment: This sequence change replaces leucine, which is neutral and non-polar, with valine, which is neutral and non-polar, at codon 667 of the POLR3A protein (p.Leu667Val). This variant is present in population databases (rs201390524, gnomAD 0.02%). This variant has not been reported in the literature in individuals affected with POLR3A-related conditions. ClinVar contains an entry for this variant (Variation ID: 1450337). Algorithms developed to predict the effect of missense changes on protein structure and function (SIFT, PolyPhen-2, Align-GVGD) all suggest that this variant is likely to be tolerated. In summary, the available evidence is currently insufficient to determine the role of this variant in disease. Therefore, it has been classified as a Variant of Uncertain Significance.

NM_007055.4(POLR3A):c.1999T>G (p.Leu667Val)

Gene: POLR3A (RNA polymerase III subunit A; minus strand). Cytogenetic location: 10q22.3.
Variant type: single nucleotide variant.
Coding change: c.1999T>G on transcript NM_007055.4 (MANE Select); coding-DNA position 1999, T replaced by G.
Protein change: p.Leu667Val; replaces leucine 667 with valine.
Molecular consequence: missense variant.
Genome position (GRCh38, 1-based): chr10:78,007,777, A>C on the plus strand (T>G on the coding strand, the complement: POLR3A is on the minus strand). VCF-style: chr10-78007777-A-C. GRCh37 (hg19) VCF-style: chr10-79767535-A-C.
Other names: short protein forms L667V.
Identifiers: ClinVar variation 1450337 (VCV001450337.5), dbSNP rs201390524, ClinGen allele CA5571260.